The following is an entry in ClinVar:

ClinVar aggregate classification (germline): Likely benign (1 of 4 stars; one submission).

Allele frequency attached by ClinVar (database versions not stated): ExAC 0.00013; gnomAD exomes 0.00013; 1000 Genomes Project 30x 0.00031; 1000 Genomes Project 0.00040; gnomAD 0.00051; TOPMed 0.00074.
gnomAD v4.1: 241 of 1,303,326 alleles (0.018%); highest among the groups gnomAD compares: Middle Eastern, 0.68%; 3 homozygotes.

Submission:

CeGaT Center for Human Genetics Tuebingen
Classification: Likely benign. Last evaluated: 2022-10-01. Review status: criteria provided, single submitter. Criteria: CeGaT Center For Human Genetics Tuebingen Variant Classification Criteria Version 2. Collection method: clinical testing. Allele origin: germline. Affected: yes. Observed: 2 variant alleles.
Comment: MPRIP: BP4, BP7

NM_001364716.4(MPRIP):c.3486G>T (p.Leu1162=)

Gene: MPRIP (myosin phosphatase Rho interacting protein; plus strand). Cytogenetic location: 17p11.2.
Variant type: single nucleotide variant.
Coding change: c.3486G>T on transcript NM_001364716.4 (MANE Select); coding-DNA position 3486, G replaced by T.
Protein change: p.Leu1162=; no amino-acid change (leucine 1162 retained).
Molecular consequence: synonymous variant. On other transcripts: intron variant (2).
Genome position (GRCh38, 1-based): chr17:17,165,077, G>T. VCF-style: chr17-17165077-G-T. GRCh37 (hg19) VCF-style: chr17-17068391-G-T.
Other names: c.2163+3721G>T (NM_201274.4, NM_015134.4).
Identifiers: ClinVar variation 2647513 (VCV002647513.24), dbSNP rs566820926, ClinGen allele CA8415090.